The following is an entry in ClinVar:

ClinVar aggregate classification (germline): Conflicting classifications of pathogenicity. Review status: criteria provided, conflicting classifications (1 of 4 stars). 3 submissions from 3 submitters: Likely pathogenic (1); Uncertain significance (2). Last evaluated 2023-09-22.

Conditions:
Brown-Vialetto-van Laere syndrome 2. Also called: SPINOCEREBELLAR ATAXIA WITH BLINDNESS AND DEAFNESS 2; Riboflavin transporter deficiency type 2. Identifiers: Orphanet 572543, Orphanet 97229, MedGen C3553538, MONDO:0013867, OMIM 614707.

Allele frequency attached by ClinVar (database versions not stated): gnomAD exomes 0.00001; gnomAD 0.00001; ExAC 0.00002.

Submissions (3):

Blueprint Genetics
Classification: Uncertain significance. Last evaluated: 2023-09-22. Review status: criteria provided, single submitter. Criteria: ACMG Guidelines, 2015. Collection method: clinical testing. Allele origin: germline.

Labcorp Genetics (formerly Invitae), Labcorp
Classification: Uncertain significance for Brown-Vialetto-van Laere syndrome 2. Last evaluated: 2021-10-19. Review status: criteria provided, single submitter. Criteria: Invitae Variant Classification Sherloc (09022015). Collection method: clinical testing. Allele origin: germline.
Comment: This missense change has been observed in individual(s) with an unspecified abnormality of the nervous system (PMID: 26633542). In summary, the available evidence is currently insufficient to determine the role of this variant in disease. Therefore, it has been classified as a Variant of Uncertain Significance. Algorithms developed to predict the effect of missense changes on protein structure and function (SIFT, PolyPhen-2, Align-GVGD) all suggest that this variant is likely to be disruptive. This variant is present in population databases (rs782245545, ExAC 0.003%). This sequence change replaces glycine with alanine at codon 415 of the SLC52A2 protein (p.Gly415Ala). The glycine residue is highly conserved and there is a small physicochemical difference between glycine and alanine.

GeneDx
Classification: Likely pathogenic. Last evaluated: 2020-09-04. Review status: criteria provided, single submitter. Criteria: GeneDx Variant Classification Process June 2021. Collection method: clinical testing. Allele origin: germline. Affected: yes.
Comment: Not observed at a significant frequency in large population cohorts (Lek et al., 2016); In silico analysis supports that this missense variant has a deleterious effect on protein structure/function; Has not been previously published as pathogenic or benign to our knowledge; This variant is associated with the following publications: (PMID: 26633542)

Literature cited by the submitters: PubMed 26633542 (cited by Labcorp Genetics (formerly Invitae), Labcorp).

NM_001363118.2(SLC52A2):c.1244G>C (p.Gly415Ala)

Gene: SLC52A2 (solute carrier family 52 member 2; plus strand). Cytogenetic location: 8q24.3.
Variant type: single nucleotide variant.
Coding change: c.1244G>C on transcript NM_001363118.2 (MANE Select); coding-DNA position 1244, G replaced by C.
Protein change: p.Gly415Ala; replaces glycine 415 with alanine.
Molecular consequence: missense variant. On other transcripts: non-coding transcript variant (1).
Genome position (GRCh38, 1-based): chr8:144,360,921, G>C. VCF-style: chr8-144360921-G-C. GRCh37 (hg19) VCF-style: chr8-145584581-G-C.
Other names: c.1244G>C, p.Gly415Ala (NM_001253815.2, NM_001253816.2, NM_001363120.2 and 2 more transcripts); c.752G>C, p.Gly251Ala (NM_001363122.2); short protein forms G415A, G251A.
Identifiers: ClinVar variation 959515 (VCV000959515.10), dbSNP rs782245545, ClinGen allele CA4938445.